The following is an entry in ClinVar:

NM_004082.5(DCTN1):c.1638G>A (p.Gln546=)

Gene: DCTN1 (dynactin subunit 1; minus strand). Cytogenetic location: 2p13.1.
Variant type: single nucleotide variant.
Coding change: c.1638G>A on transcript NM_004082.5 (MANE Select); coding-DNA position 1638, G replaced by A.
Protein change: p.Gln546=; no amino-acid change (glutamine 546 retained).
Molecular consequence: synonymous variant. On other transcripts: non-coding transcript variant (1).
Genome position (GRCh38, 1-based): chr2:74,369,161, C>T on the plus strand (G>A on the coding strand, the complement: DCTN1 is on the minus strand). VCF-style: chr2-74369161-C-T. GRCh37 (hg19) VCF-style: chr2-74596288-C-T.
Other names: c.1578G>A, p.Gln526= (NM_001135040.3); c.1236G>A, p.Gln412= (NM_001135041.3, NM_023019.4); c.1527G>A, p.Gln509= (NM_001190836.2); c.1617G>A, p.Gln539= (NM_001190837.2); c.1587G>A, p.Gln529= (NM_001378991.1); c.1569G>A, p.Gln523= (NM_001378992.1).
Identifiers: ClinVar variation 3350338 (VCV003350338.1).

ClinVar aggregate classification (germline): Likely benign (0 of 4 stars; one submission).

Conditions:
DCTN1-related disorder. Also called: DCTN1-related condition.

gnomAD v4.1: 1 of 1,614,276 alleles (0.000062%); highest among the groups gnomAD compares: Non-Finnish European, 0.000085%; no homozygotes.

Submission:

PreventionGenetics, part of Exact Sciences
Classification: Likely benign for DCTN1-related condition. Last evaluated: 2024-06-21. Review status: no assertion criteria provided. Collection method: clinical testing. Allele origin: germline.
Comment: This variant is classified as likely benign based on ACMG/AMP sequence variant interpretation guidelines (Richards et al. 2015 PMID: 25741868, with internal and published modifications).